The following is an entry in ClinVar:

NM_014908.4(DOLK):c.1000A>T (p.Thr334Ser)

Gene: DOLK (dolichol kinase; minus strand). Cytogenetic location: 9q34.11.
Variant type: single nucleotide variant.
Coding change: c.1000A>T on transcript NM_014908.4 (MANE Select); coding-DNA position 1000, A replaced by T.
Protein change: p.Thr334Ser; replaces threonine 334 with serine.
Molecular consequence: missense variant.
Genome position (GRCh38, 1-based): chr9:128,946,304, T>A on the plus strand (A>T on the coding strand, the complement: DOLK is on the minus strand). VCF-style: chr9-128946304-T-A. GRCh37 (hg19) VCF-style: chr9-131708583-T-A.
Other names: short protein forms T334S.
Identifiers: ClinVar variation 1034428 (VCV001034428.9), dbSNP rs762835635, ClinGen allele CA5271650.

ClinVar aggregate classification (germline): Uncertain significance. Review status: criteria provided, multiple submitters, no conflicts (2 of 4 stars). 2 submissions from 2 submitters: Uncertain significance (2). Last evaluated 2025-08-28.

Conditions:
Cardiovascular phenotype. Identifiers: MedGen CN230736.
DK1-congenital disorder of glycosylation. Also called: DK1-CDG; CONGENITAL DISORDER OF GLYCOSYLATION, TYPE Im; CDG Im; DK1 DEFICIENCY; DOLICHOL KINASE DEFICIENCY; DOLK-congenital disorder of glycosylation. Identifiers: Orphanet 91131, MedGen C1835849, MONDO:0012556, OMIM 610768.

Allele frequency attached by ClinVar (database versions not stated): gnomAD exomes 0.00001 and 0.00005; ExAC 0.00003; gnomAD 0.00003; TOPMed 0.00003.

Submissions (2):

Ambry Genetics
Classification: Uncertain significance for Cardiovascular phenotype. Last evaluated: 2025-08-28. Review status: criteria provided, single submitter. Criteria: Ambry Variant Classification Scheme 2023. Collection method: clinical testing. Allele origin: germline.
Comment: The p.T334S variant (also known as c.1000A>T), located in coding exon 1 of the DOLK gene, results from an A to T substitution at nucleotide position 1000. The threonine at codon 334 is replaced by serine, an amino acid with similar properties. This alteration has been reported in a dilated cardiomyopathy (DCM) cohort; however, clinical details were limited (Mazzarotto F et al. Circulation, 2020 02;141:387-398). This amino acid position is well conserved in available vertebrate species. In addition, the in silico prediction for this alteration is inconclusive. Since supporting evidence is limited at this time, the clinical significance of this alteration remains unclear.

Labcorp Genetics (formerly Invitae), Labcorp
Classification: Uncertain significance for DK1-congenital disorder of glycosylation. Last evaluated: 2021-08-30. Review status: criteria provided, single submitter. Criteria: Invitae Variant Classification Sherloc (09022015). Collection method: clinical testing. Allele origin: germline.
Comment: This sequence change replaces threonine with serine at codon 334 of the DOLK protein (p.Thr334Ser). The threonine residue is highly conserved and there is a small physicochemical difference between threonine and serine. This variant is present in population databases (rs762835635, ExAC 0.05%). This variant has not been reported in the literature in individuals affected with DOLK-related conditions. Algorithms developed to predict the effect of missense changes on protein structure and function (SIFT, PolyPhen-2, Align-GVGD) all suggest that this variant is likely to be tolerated. In summary, the available evidence is currently insufficient to determine the role of this variant in disease. Therefore, it has been classified as a Variant of Uncertain Significance.

Literature cited by the submitters: PubMed 31983221 (cited by Ambry Genetics).